The following is an entry in ClinVar:

NM_006904.7(PRKDC):c.2341G>A (p.Asp781Asn)

Gene: PRKDC (protein kinase, DNA-activated, catalytic subunit; minus strand). Cytogenetic location: 8q11.21.
Variant type: single nucleotide variant.
Coding change: c.2341G>A on transcript NM_006904.7 (MANE Select); coding-DNA position 2341, G replaced by A.
Protein change: p.Asp781Asn; replaces aspartic acid 781 with asparagine.
Molecular consequence: missense variant.
Genome position (GRCh38, 1-based): chr8:47,927,272, C>T on the plus strand (G>A on the coding strand, the complement: PRKDC is on the minus strand). VCF-style: chr8-47927272-C-T. GRCh37 (hg19) VCF-style: chr8-48839832-C-T.
Other names: c.2341G>A, p.Asp781Asn (NM_001081640.2); short protein forms D781N.
Identifiers: ClinVar variation 1789872 (VCV001789872.2), dbSNP rs370818291, ClinGen allele CA176163854.

ClinVar aggregate classification (germline): Uncertain significance (1 of 4 stars; one submission).

Allele frequency attached by ClinVar (database versions not stated): TOPMed 0.00001; ESP Exome Variant Server 0.00017.

Submission:

Ambry Genetics
Classification: Uncertain significance. Last evaluated: 2021-06-15. Review status: criteria provided, single submitter. Criteria: Ambry Variant Classification Scheme 2023. Collection method: clinical testing. Allele origin: germline.
Comment: The p.D781N variant (also known as c.2341G>A), located in coding exon 21 of the PRKDC gene, results from a G to A substitution at nucleotide position 2341. The aspartic acid at codon 781 is replaced by asparagine, an amino acid with highly similar properties. This amino acid position is conserved. In addition, this alteration is predicted to be tolerated by in silico analysis. Since supporting evidence is limited at this time, the clinical significance of this alteration remains unclear.